The following is an entry in ClinVar:

NM_004560.4(ROR2):c.302C>T (p.Pro101Leu)

Gene: ROR2 (receptor tyrosine kinase like orphan receptor 2; minus strand). Cytogenetic location: 9q22.31.
Variant type: single nucleotide variant.
Coding change: c.302C>T on transcript NM_004560.4 (MANE Select); coding-DNA position 302, C replaced by T.
Protein change: p.Pro101Leu; replaces proline 101 with leucine.
Molecular consequence: missense variant.
Genome position (GRCh38, 1-based): chr9:91,757,433, G>A on the plus strand (C>T on the coding strand, the complement: ROR2 is on the minus strand). VCF-style: chr9-91757433-G-A. GRCh37 (hg19) VCF-style: chr9-94519715-G-A.
Other names: c.302C>T, p.Pro101Leu (NM_001318204.2); short protein forms P101L.
Identifiers: ClinVar variation 1012278 (VCV001012278.8), dbSNP rs370882834, ClinGen allele CA5121067.

ClinVar aggregate classification (germline): Uncertain significance. Review status: criteria provided, multiple submitters, no conflicts (2 of 4 stars). 3 submissions from 3 submitters: Uncertain significance (2). 1 of the submissions does not count toward it. Last evaluated 2024-06-20.

Conditions:
Brachydactyly type B1 (BDB1). Identifiers: Orphanet 572385, Orphanet 93383, MedGen C1862112, MONDO:0007220, OMIM 113000.
Autosomal recessive Robinow syndrome (RRS1). Also called: COSTOVERTEBRAL SEGMENTATION DEFECT WITH MESOMELIA; COVESDEM SYNDROME; ROBINOW SYNDROME, AUTOSOMAL RECESSIVE 1; ROR2-Related Robinow Syndrome. Identifiers: Orphanet 1507, Orphanet 97360, MedGen C5399974, MONDO:0009999, OMIM 268310.
Short stature. Identifiers: MedGen C0349588, HP:0004322.

Allele frequency attached by ClinVar (database versions not stated): ExAC 0.00001; gnomAD 0.00001; gnomAD exomes 0.00001; TOPMed 0.00002; ESP Exome Variant Server 0.00008.
gnomAD v4.1: 12 of 1,613,636 alleles (0.00074%); highest among the groups gnomAD compares: South Asian, 0.0022%; no homozygotes.

Submissions (3):

Labcorp Genetics (formerly Invitae), Labcorp
Classification: Uncertain significance. Last evaluated: 2024-06-20. Review status: criteria provided, single submitter. Criteria: Invitae Variant Classification Sherloc (09022015). Collection method: clinical testing. Allele origin: germline.
Comment: This sequence change replaces proline, which is neutral and non-polar, with leucine, which is neutral and non-polar, at codon 101 of the ROR2 protein (p.Pro101Leu). This variant is present in population databases (rs370882834, gnomAD 0.003%). This missense change has been observed in individual(s) with clinical features of ROR2-related conditions (PMID: 33937263). ClinVar contains an entry for this variant (Variation ID: 1012278). Advanced modeling of protein sequence and biophysical properties (such as structural, functional, and spatial information, amino acid conservation, physicochemical variation, residue mobility, and thermodynamic stability) performed at Invitae indicates that this missense variant is not expected to disrupt ROR2 protein function with a negative predictive value of 95%. In summary, the available evidence is currently insufficient to determine the role of this variant in disease. Therefore, it has been classified as a Variant of Uncertain Significance.

Fulgent Genetics
Classification: Uncertain significance for Brachydactyly type B1; Autosomal recessive Robinow syndrome. Last evaluated: 2024-01-11. Review status: criteria provided, single submitter. Criteria: ACMG Guidelines, 2015. Collection method: clinical testing. Allele origin: germline.

Beijing Key Laboratory for Genetic Research of Skeletal Deformity, Peking Union Medical College Hospital
Classification: Uncertain significance for Short stature. Last evaluated: 2021-01-31. Review status: no assertion criteria provided. Collection method: research. Allele origin: unknown. Affected: yes. Not counted in ClinVar's aggregate classification.

Literature cited by the submitters: PubMed 33937263 (cited by Labcorp Genetics (formerly Invitae), Labcorp).